The following is an entry in ClinVar:

ClinVar aggregate classification (germline): Uncertain significance (1 of 4 stars; one submission).

Conditions:
Spastic paraplegia. Identifiers: MedGen C0037772, HP:0001258.

Submission:

Labcorp Genetics (formerly Invitae), Labcorp
Classification: Uncertain significance for Spastic paraplegia. Last evaluated: 2023-02-25. Review status: criteria provided, single submitter. Criteria: Invitae Variant Classification Sherloc (09022015). Collection method: clinical testing. Allele origin: germline.
Comment: In summary, the available evidence is currently insufficient to determine the role of this variant in disease. Therefore, it has been classified as a Variant of Uncertain Significance. Advanced modeling of protein sequence and biophysical properties (such as structural, functional, and spatial information, amino acid conservation, physicochemical variation, residue mobility, and thermodynamic stability) performed at Invitae indicates that this missense variant is expected to disrupt KDM5C protein function. This variant has not been reported in the literature in individuals affected with KDM5C-related conditions. This variant is not present in population databases (gnomAD no frequency). This sequence change replaces arginine, which is basic and polar, with tryptophan, which is neutral and slightly polar, at codon 211 of the KDM5C protein (p.Arg211Trp).

NM_004187.5(KDM5C):c.631C>T (p.Arg211Trp)

Gene: KDM5C (lysine demethylase 5C; minus strand). Cytogenetic location: Xp11.22.
Variant type: single nucleotide variant.
Coding change: c.631C>T on transcript NM_004187.5 (MANE Select); coding-DNA position 631, C replaced by T.
Protein change: p.Arg211Trp; replaces arginine 211 with tryptophan.
Molecular consequence: missense variant. On other transcripts: non-coding transcript variant (3).
Genome position (GRCh38, 1-based): chrX:53,217,169, G>A on the plus strand (C>T on the coding strand, the complement: KDM5C is on the minus strand). VCF-style: chrX-53217169-G-A. GRCh37 (hg19) VCF-style: chrX-53246351-G-A.
Other names: c.430C>T, p.Arg144Trp (NM_001146702.2); c.628C>T, p.Arg210Trp (NM_001282622.3, NM_001353979.2, NM_001353982.2); c.631C>T, p.Arg211Trp (NM_001353978.3, NM_001353981.2, NM_001353984.2); short protein forms R210W, R144W, R211W.
Identifiers: ClinVar variation 2840793 (VCV002840793.3), dbSNP rs2146945923, ClinGen allele CA413133704.
Genomic context (GRCh38, chrX:53,217,169, plus strand): 5'-CAAAGCTCTAAGTTCGAAGAAGGGGAGTACTCACATCAGGCTGCAGTCTCTTGGCCCGCC[G>A]GCCATAGCTGTTGAACTTGGAAGGCTGCACAGACTGTCGTAGGGGGATGCTGTGGGGTTT-3'
Protein context (NP_004178.2, residues 201-221): VQPSKFNSYG[Arg211Trp]RAKRLQPDPE